The following is an entry in ClinVar:

ClinVar aggregate classification (germline): Likely pathogenic (1 of 4 stars; one submission).

Conditions:
Developmental and epileptic encephalopathy 94 (DEE94). Also called: CHD2-Related Neurodevelopmental Disorders; Epileptic encephalopathy, childhood-onset. Identifiers: Orphanet 1942, Orphanet 2382, MedGen C3809278, MONDO:0014150, OMIM 615369.

Submission:

Labcorp Genetics (formerly Invitae), Labcorp
Classification: Likely pathogenic for Developmental and epileptic encephalopathy 94. Last evaluated: 2023-09-28. Review status: criteria provided, single submitter. Criteria: Invitae Variant Classification Sherloc (09022015). Collection method: clinical testing. Allele origin: germline.
Comment: This sequence change replaces alanine, which is neutral and non-polar, with proline, which is neutral and non-polar, at codon 824 of the CHD2 protein (p.Ala824Pro). This variant is not present in population databases (gnomAD no frequency). This missense change has been observed in individual(s) with CHD2-related coniditions (Invitae). In at least one individual the variant was observed to be de novo. ClinVar contains an entry for this variant (Variation ID: 1720300). Advanced modeling of protein sequence and biophysical properties (such as structural, functional, and spatial information, amino acid conservation, physicochemical variation, residue mobility, and thermodynamic stability) performed at Invitae indicates that this missense variant is not expected to disrupt CHD2 protein function. In summary, the currently available evidence indicates that the variant is pathogenic, but additional data are needed to prove that conclusively. Therefore, this variant has been classified as Likely Pathogenic.

NM_001271.4(CHD2):c.2470G>C (p.Ala824Pro)

Gene: CHD2 (chromodomain helicase DNA binding protein 2; plus strand). Cytogenetic location: 15q26.1.
Variant type: single nucleotide variant.
Coding change: c.2470G>C on transcript NM_001271.4 (MANE Select); coding-DNA position 2470, G replaced by C.
Protein change: p.Ala824Pro; replaces alanine 824 with proline.
Molecular consequence: missense variant.
Genome position (GRCh38, 1-based): chr15:92,972,382, G>C. VCF-style: chr15-92972382-G-C. GRCh37 (hg19) VCF-style: chr15-93515612-G-C.
Other names: short protein forms A824P.
Identifiers: ClinVar variation 1720300 (VCV001720300.6), dbSNP rs2505528053, ClinGen allele CA393893377.